The following is an entry in ClinVar:

NM_006269.2(RP1):c.122A>T (p.Tyr41Phe)

Gene: RP1 (RP1 axonemal microtubule associated; plus strand). Cytogenetic location: 8q12.1.
Variant type: single nucleotide variant.
Coding change: c.122A>T on transcript NM_006269.2 (MANE Select); coding-DNA position 122, A replaced by T.
Protein change: p.Tyr41Phe; replaces tyrosine 41 with phenylalanine.
Molecular consequence: missense variant.
Genome position (GRCh38, 1-based): chr8:54,621,088, A>T. VCF-style: chr8-54621088-A-T. GRCh37 (hg19) VCF-style: chr8-55533648-A-T.
Other names: c.122A>T, p.Tyr41Phe (NM_001375654.1); short protein forms Y41F.
Identifiers: ClinVar variation 3673467 (VCV003673467.2).

ClinVar aggregate classification (germline): Uncertain significance (1 of 4 stars; one submission).

gnomAD v4.1: 1 of 1,614,118 alleles (0.000062%); highest among the groups gnomAD compares: South Asian, 0.0011%; no homozygotes.

Submission:

Labcorp Genetics (formerly Invitae), Labcorp
Classification: Uncertain significance. Last evaluated: 2024-03-19. Review status: criteria provided, single submitter. Criteria: Invitae Variant Classification Sherloc (09022015). Collection method: clinical testing. Allele origin: germline.
Comment: This sequence change replaces tyrosine, which is neutral and polar, with phenylalanine, which is neutral and non-polar, at codon 41 of the RP1 protein (p.Tyr41Phe). This variant is present in population databases (no rsID available, gnomAD 0.003%). This variant has not been reported in the literature in individuals affected with RP1-related conditions. An algorithm developed to predict the effect of missense changes on protein structure and function (PolyPhen-2) suggests that this variant is likely to be disruptive. This variant disrupts the p.Tyr41 amino acid residue in RP1. Other variant(s) that disrupt this residue have been observed in individuals with RP1-related conditions (PMID: 32565670, 33090715), which suggests that this may be a clinically significant amino acid residue. In summary, the available evidence is currently insufficient to determine the role of this variant in disease. Therefore, it has been classified as a Variant of Uncertain Significance.

Literature cited by the submitters: PubMed 32565670; PubMed 33090715.